The following is an entry in ClinVar:

NC_000016.9:g.(?_3551068)_(3901030_?)del

Genes: CLUAP1 (clusterin associated protein 1; plus strand), CREBBP (CREB binding protein; minus strand), DNASE1 (deoxyribonuclease 1; plus strand), NLRC3 (NLR family CARD domain containing 3; minus strand), SLX4 (SLX4 structure-specific endonuclease subunit; minus strand) and 1 more. Cytogenetic location: 16p13.3.
Variant type: Deletion.
Identifiers: ClinVar variation 2426037 (VCV002426037.4).

ClinVar aggregate classification (germline): Uncertain significance (1 of 4 stars; one submission).

Submission:

Labcorp Genetics (formerly Invitae), Labcorp
Classification: Uncertain significance. Last evaluated: 2022-06-13. Review status: criteria provided, single submitter. Criteria: Invitae Variant Classification Sherloc (09022015). Collection method: clinical testing. Allele origin: germline.
Comment: In summary, the available evidence is currently insufficient to determine the role of this variant in disease. Therefore, it has been classified as a Variant of Uncertain Significance. This variant has not been reported in the literature in individuals affected with CLUAP1-related conditions. A gross deletion of the genomic region encompassing the full coding sequence of the CLUAP1 gene has been identified. The current clinical and genetic evidence is not sufficient to establish whether loss-of-function variants in CLUAP1 cause disease. The boundaries of this event are unknown as they extend beyond the assayed region for this gene and therefore may encompass additional genes.